The following is an entry in ClinVar:

ClinVar aggregate classification (germline): Uncertain significance (1 of 4 stars; one submission).

Conditions:
Multiple congenital anomalies-hypotonia-seizures syndrome 1 (MCAHS1). Also called: GLYCOSYLPHOSPHATIDYLINOSITOL BIOSYNTHESIS DEFECT 3; PIGN-CDG; Congenital disorder of glycosylation due to PIGN deficiency. Identifiers: Orphanet 280633, MedGen C3279775, MONDO:0013563, OMIM 614080.

Allele frequency attached by ClinVar (database versions not stated): gnomAD exomes below 0.00001; gnomAD 0.00001; TOPMed 0.00002.
gnomAD v4.1: 3 of 1,591,248 alleles (0.00019%); highest among the groups gnomAD compares: Non-Finnish European, 0.00026%; no homozygotes.

Submission:

Labcorp Genetics (formerly Invitae), Labcorp
Classification: Uncertain significance for Multiple congenital anomalies-hypotonia-seizures syndrome 1. Last evaluated: 2022-04-01. Review status: criteria provided, single submitter. Criteria: Invitae Variant Classification Sherloc (09022015). Collection method: clinical testing. Allele origin: germline.
Comment: This sequence change replaces glycine, which is neutral and non-polar, with glutamic acid, which is acidic and polar, at codon 546 of the PIGN protein (p.Gly546Glu). The frequency data for this variant in the population databases is considered unreliable, as metrics indicate poor data quality at this position in the gnomAD database. This variant has not been reported in the literature in individuals affected with PIGN-related conditions. Algorithms developed to predict the effect of missense changes on protein structure and function are either unavailable or do not agree on the potential impact of this missense change (SIFT: "Tolerated"; PolyPhen-2: "Possibly Damaging"; Align-GVGD: "Class C0"). In summary, the available evidence is currently insufficient to determine the role of this variant in disease. Therefore, it has been classified as a Variant of Uncertain Significance.

NM_176787.5(PIGN):c.1637G>A (p.Gly546Glu)

Gene: PIGN (phosphatidylinositol glycan anchor biosynthesis class N; minus strand). Cytogenetic location: 18q21.33.
Variant type: single nucleotide variant.
Coding change: c.1637G>A on transcript NM_176787.5 (MANE Select); coding-DNA position 1637, G replaced by A.
Protein change: p.Gly546Glu; replaces glycine 546 with glutamic acid.
Molecular consequence: missense variant.
Genome position (GRCh38, 1-based): chr18:62,107,023, C>T on the plus strand (G>A on the coding strand, the complement: PIGN is on the minus strand). VCF-style: chr18-62107023-C-T. GRCh37 (hg19) VCF-style: chr18-59774256-C-T.
Other names: c.1637G>A, p.Gly546Glu (NM_012327.6); short protein forms G546E.
Identifiers: ClinVar variation 2078119 (VCV002078119.1), dbSNP rs1305684866, ClinGen allele CA402605198.